The following is an entry in ClinVar:

ClinVar aggregate classification (germline): Uncertain significance. Review status: criteria provided, multiple submitters, no conflicts (2 of 4 stars). 5 submissions from 5 submitters: Uncertain significance (4). 1 of the submissions does not count toward it. Last evaluated 2024-01-20.

Conditions:
Hereditary cancer-predisposing syndrome. Also called: Hereditary Cancer Syndrome; Hereditary neoplastic syndrome; Neoplastic Syndromes, Hereditary; Tumor predisposition. Identifiers: Orphanet 140162, MedGen C0027672, MeSH D009386, MONDO:0015356.
Bloom syndrome (BLM). Also called: Bloom-Torre-Machacek syndrome. Identifiers: Orphanet 125, MedGen C0005859, MONDO:0008876, OMIM 210900.

Allele frequency attached by ClinVar (database versions not stated): gnomAD exomes 0.00001; ExAC 0.00002; gnomAD 0.00007; TOPMed 0.00007; ESP Exome Variant Server 0.00008.
gnomAD v4.1: 16 of 1,612,036 alleles (0.00099%); highest among the groups gnomAD compares: African/African-American, 0.017%; no homozygotes.

Submissions (5):

Labcorp Genetics (formerly Invitae), Labcorp
Classification: Uncertain significance for Bloom syndrome. Last evaluated: 2024-01-20. Review status: criteria provided, single submitter. Criteria: Invitae Variant Classification Sherloc (09022015). Collection method: clinical testing. Allele origin: germline.
Comment: This sequence change replaces glycine, which is neutral and non-polar, with arginine, which is basic and polar, at codon 1120 of the BLM protein (p.Gly1120Arg). This variant also falls at the last nucleotide of exon 17, which is part of the consensus splice site for this exon. The frequency data for this variant in the population databases is considered unreliable, as metrics indicate poor data quality at this position in the gnomAD database. This variant has not been reported in the literature in individuals affected with BLM-related conditions. ClinVar contains an entry for this variant (Variation ID: 454137). An algorithm developed to predict the effect of missense changes on protein structure and function (PolyPhen-2) suggests that this variant is likely to be disruptive. Experimental studies are conflicting or provide insufficient evidence to determine the effect of this variant on BLM function (PMID: 23129629, 26788541). Variants that disrupt the consensus splice site are a relatively common cause of aberrant splicing (PMID: 17576681, 9536098). In summary, the available evidence is currently insufficient to determine the role of this variant in disease. Therefore, it has been classified as a Variant of Uncertain Significance.

GeneDx
Classification: Uncertain significance. Last evaluated: 2023-09-14. Review status: criteria provided, single submitter. Criteria: GeneDx Variant Classification Process June 2021. Collection method: clinical testing. Allele origin: germline. Affected: yes.
Comment: Not observed at significant frequency in large population cohorts (gnomAD); In silico analysis supports that this missense variant has a deleterious effect on protein structure/function; This variant is associated with the following publications: (PMID: 9536098, 23129629, 26788541, 36747637, 37267408, 24816114)

Ambry Genetics
Classification: Uncertain significance for Hereditary cancer-predisposing syndrome. Last evaluated: 2023-01-17. Review status: criteria provided, single submitter. Criteria: Ambry Variant Classification Scheme 2023. Collection method: clinical testing. Allele origin: germline.
Comment: The p.G1120R variant (also known as c.3358G>A), located in coding exon 16 of the BLM gene, results from a G to A substitution at nucleotide position 3358. The amino acid change results in glycine to arginine at codon 1120, an amino acid with dissimilar properties. Functional studies found p.G1120R to be partially deficient with respect to chromosome abnormalities and response and sensitivity to DNA damaging agents (Mirzaei H et al. Proc. Natl. Acad. Sci. U.S.A., 2012 Nov;109:19357-62; Shastri VM et al. Mol Genet Genomic Med, 2016 Jan;4:106-19). This amino acid position is highly conserved in available vertebrate species. In addition, the in silico prediction for this alteration is inconclusive. Since supporting evidence is limited at this time, the clinical significance of this alteration remains unclear.

Sema4
Classification: Uncertain significance for Hereditary cancer-predisposing syndrome. Last evaluated: 2021-11-12. Review status: criteria provided, single submitter. Criteria: Sema4 Curation Guidelines. Collection method: curation. Allele origin: germline.
Comment: To the best of our knowledge, the BLM c.3358G>A (p.G1120R) variant has not been reported in individuals with BLM-related disease. Functional studies in yeasts and fibroblast cell lines indicate that this variant results in partially deficient function in response to DNA damaging agents and chromosome abnormalities (PMID: 23129629; 26788541). This variant was observed in 3/24936 chromosomes in the African/African American population according to the Genome Aggregation Database (PMID: 32461654). This variant has been reported in ClinVar (Variation ID: 454137). In silico tools suggest the impact of the variant on protein function is deleterious. The evidence is insufficient to meet ACMG/AMP criteria for classifying the variant as benign or pathogenic. Thus, the clinical significance of this variant is currently uncertain.

Natera, Inc.
Classification: Uncertain significance for Bloom syndrome. Last evaluated: 2018-06-11. Review status: no assertion criteria provided. Collection method: clinical testing. Allele origin: germline. Not counted in ClinVar's aggregate classification.

Literature cited by the submitters: PubMed 23129629 (cited by 3 submitters); PubMed 26788541 (cited by Labcorp Genetics (formerly Invitae), Labcorp and Ambry Genetics); PubMed 17576681 (cited by Labcorp Genetics (formerly Invitae), Labcorp); PubMed 9536098 (cited by Labcorp Genetics (formerly Invitae), Labcorp); PubMed 24816114 (cited by Ambry Genetics).

NM_000057.4(BLM):c.3358G>A (p.Gly1120Arg)

Gene: BLM (BLM RecQ like helicase; plus strand). Cytogenetic location: 15q26.1.
Variant type: single nucleotide variant.
Coding change: c.3358G>A on transcript NM_000057.4 (MANE Select); coding-DNA position 3358, G replaced by A.
Protein change: p.Gly1120Arg; replaces glycine 1120 with arginine.
Molecular consequence: missense variant.
Genome position (GRCh38, 1-based): chr15:90,798,337, G>A. VCF-style: chr15-90798337-G-A. GRCh37 (hg19) VCF-style: chr15-91341567-G-A.
Other names: c.3358G>A, p.Gly1120Arg (NM_001287246.2); c.3358G>A, p.Glu1120Lys (NM_001287247.2); c.2233G>A, p.Gly745Arg (NM_001287248.2); short protein forms G1120R, E1120K, G745R.
Identifiers: ClinVar variation 454137 (VCV000454137.17), dbSNP rs139773499, ClinGen allele CA7738994.